The following is an entry in ClinVar:

ClinVar aggregate classification (germline): Uncertain significance. Review status: criteria provided, multiple submitters, no conflicts (2 of 4 stars). 4 submissions from 4 submitters: Uncertain significance (4). Last evaluated 2025-07-01.

Conditions:
Catecholaminergic polymorphic ventricular tachycardia (CVPT). Also called: Catecholamine-induced polymorphic ventricular tachycardia. Identifiers: Orphanet 3286, MedGen C5574922, MONDO:0017990.
Cardiomyopathy (CMYO). Also called: Cardiomyopathies. Identifiers: Orphanet 167848, MedGen C0878544, MONDO:0004994, HP:0001638. Inheritance: Various modes of inheritance.
Catecholaminergic polymorphic ventricular tachycardia 1. Also called: RYR2-Related Catecholaminergic Polymorphic Ventricular Tachycardia; VENTRICULAR TACHYCARDIA, CATECHOLAMINERGIC POLYMORPHIC, 1, WITH OR WITHOUT ATRIAL DYSFUNCTION AND/OR DILATED CARDIOMYOPATHY; VENTRICULAR TACHYCARDIA, STRESS-INDUCED POLYMORPHIC 1. Identifiers: Orphanet 3286, MedGen C1631597, MONDO:0011484, OMIM 604772.

gnomAD v4.1: 11 of 1,614,050 alleles (0.00068%); highest among the groups gnomAD compares: Non-Finnish European, 0.00085%; no homozygotes.

Submissions (4):

Color Diagnostics, LLC DBA Color Health
Classification: Uncertain significance for Cardiomyopathy. Last evaluated: 2025-07-01. Review status: criteria provided, single submitter. Criteria: ACMG Guidelines, 2015. Collection method: clinical testing. Allele origin: germline.
Comment: This missense variant replaces leucine with phenylalanine at codon 1658 of the RYR2 protein. Computational prediction suggests that this variant may have a deleterious impact on protein structure and function. To our knowledge, functional studies have not been reported for this variant. This variant has not been reported in individuals affected with RYR2-related disorders in the literature. This variant has been identified in 4/248778 chromosomes in the general population by the Genome Aggregation Database (gnomAD). The available evidence is insufficient to determine the role of this variant in disease conclusively. Therefore, this variant is classified as a Variant of Uncertain Significance.

Labcorp Genetics (formerly Invitae), Labcorp
Classification: Uncertain significance for Catecholaminergic polymorphic ventricular tachycardia 1. Last evaluated: 2024-12-30. Review status: criteria provided, single submitter. Criteria: Invitae Variant Classification Sherloc (09022015). Collection method: clinical testing. Allele origin: germline.
Comment: This sequence change replaces leucine, which is neutral and non-polar, with phenylalanine, which is neutral and non-polar, at codon 1658 of the RYR2 protein (p.Leu1658Phe). This variant is present in population databases (rs767540663, gnomAD 0.004%). This variant has not been reported in the literature in individuals affected with RYR2-related conditions. ClinVar contains an entry for this variant (Variation ID: 520469). Invitae Evidence Modeling of protein sequence and biophysical properties (such as structural, functional, and spatial information, amino acid conservation, physicochemical variation, residue mobility, and thermodynamic stability) indicates that this missense variant is expected to disrupt RYR2 protein function with a positive predictive value of 95%. In summary, the available evidence is currently insufficient to determine the role of this variant in disease. Therefore, it has been classified as a Variant of Uncertain Significance.

All of Us Research Program, National Institutes of Health
Classification: Uncertain significance for Catecholaminergic polymorphic ventricular tachycardia. Last evaluated: 2024-09-23. Review status: criteria provided, single submitter. Criteria: ACMG Guidelines, 2015. Collection method: clinical testing. Allele origin: germline. Inheritance: Autosomal dominant inheritance. Observed: 2 variant alleles, 2 heterozygotes.
Comment: This missense variant replaces leucine with phenylalanine at codon 1658 of the RYR2 protein. Computational prediction suggests that this variant may have deleterious impact on protein structure and function (internally defined REVEL score threshold >= 0.7, PMID: 27666373). To our knowledge, functional studies have not been reported for this variant. This variant has not been reported in individuals affected with RYR2-related disorders in the literature. This variant has been identified in 4/248778 chromosomes in the general population by the Genome Aggregation Database (gnomAD). The available evidence is insufficient to determine the role of this variant in disease conclusively. Therefore, this variant is classified as a Variant of Uncertain Significance.

This study involves interpretation of variants in research participants for the purpose of population health screening. Participant phenotype was not available at the time of variant classification. Additional details can be found in publication PMID: 35346344, PMCID: PMC8962531

Molecular Diagnostic Laboratory for Inherited Cardiovascular Disease, Montreal Heart Institute
Classification: Uncertain significance for Catecholaminergic polymorphic ventricular tachycardia. Last evaluated: 2017-07-26. Review status: criteria provided, single submitter. Criteria: ACMG Guidelines, 2015. Collection method: clinical testing. Allele origin: germline. Affected: yes.

NM_001035.3(RYR2):c.4972C>T (p.Leu1658Phe)

Gene: RYR2 (ryanodine receptor 2; plus strand). Cytogenetic location: 1q43.
Variant type: single nucleotide variant.
Coding change: c.4972C>T on transcript NM_001035.3 (MANE Select); coding-DNA position 4972, C replaced by T.
Protein change: p.Leu1658Phe; replaces leucine 1658 with phenylalanine.
Molecular consequence: missense variant.
Genome position (GRCh38, 1-based): chr1:237,614,100, C>T. VCF-style: chr1-237614100-C-T. GRCh37 (hg19) VCF-style: chr1-237777400-C-T.
Other names: c.4972C>T, p.Leu1658Phe (LRG_402t1); short protein forms L1658F.
Identifiers: ClinVar variation 520469 (VCV000520469.10), dbSNP rs767540663, ClinGen allele CA086813.
Genomic context (GRCh38, chr1:237,614,100, plus strand): 5'-TCTGTTGACATCTTAGAGTTGACAGAGCAGGAGGAATTGCTGAAATTTCACTATCACACT[C>T]TCCGGCTCTACTCAGCCGTCTGTGCTCTTGGGAACCACCGGGTGGCCCATGCCCTGTGCA-3'
Protein context (NP_001026.2, residues 1648-1668): EELLKFHYHT[Leu1658Phe]RLYSAVCALG